The following is an entry in ClinVar:

ClinVar aggregate classification (germline): Uncertain significance (1 of 4 stars; one submission).

Conditions:
MEHMO syndrome (MEHMO). Also called: Mental retardation, X-linked, syndromic, Borck type; MENTAL RETARDATION, X-LINKED, SYNDROMIC 20; MENTAL RETARDATION, X-LINKED, SYNDROMIC 25. Identifiers: Orphanet 85282, MedGen C1846278, MONDO:0010258, OMIM 300148.

Submission:

Department of Human Genetics, Hannover Medical School
Classification: Uncertain significance for MEHMO syndrome. Last evaluated: 2024-11-04. Review status: criteria provided, single submitter. Criteria: ACMG Guidelines, 2015. Collection method: clinical testing. Allele origin: germline. Affected: yes.
Comment: ACMG: PM2_Supporting

NM_001415.4(EIF2S3):c.353C>T (p.Pro118Leu)

Gene: EIF2S3 (eukaryotic translation initiation factor 2 subunit gamma; plus strand). Cytogenetic location: Xp22.11.
Variant type: single nucleotide variant.
Coding change: c.353C>T on transcript NM_001415.4 (MANE Select); coding-DNA position 353, C replaced by T.
Protein change: p.Pro118Leu; replaces proline 118 with leucine.
Molecular consequence: missense variant.
Genome position (GRCh38, 1-based): chrX:24,057,724, C>T. VCF-style: chrX-24057724-C-T. GRCh37 (hg19) VCF-style: chrX-24075841-C-T.
Other names: short protein forms P118L.
Identifiers: ClinVar variation 3370410 (VCV003370410.1).